The following is an entry in ClinVar:

NM_017780.4(CHD7):c.3514_3515del (p.Glu1172fs)

Gene: CHD7 (chromodomain helicase DNA binding protein 7; plus strand). Cytogenetic location: 8q12.2.
Variant type: Deletion.
Coding change: c.3514_3515del on transcript NM_017780.4 (MANE Select); coding-DNA positions 3514 to 3515, 2 bases deleted (GA; older notation c.3514_3515delGA).
Protein change: p.Glu1172fs; shifts the reading frame from glutamic acid 1172.
Molecular consequence: frameshift variant. On other transcripts: intron variant (1).
Genome position (GRCh38, 1-based): chr8:60,828,798-60,828,799, GA deleted; deleting any 2 consecutive bases within chr8:60,828,797-60,828,799 gives the same sequence; the c. name uses the placement nearest the transcript's 3' end. VCF-style (leftmost placement, unchanged base first): chr8-60828796-CAG-C. GRCh37 (hg19) VCF-style: chr8-61741355-CAG-C.
Other names: c.1717-33431_1717-33430del (NM_001316690.1); short protein forms E1172fs.
Identifiers: ClinVar variation 854705 (VCV000854705.9), dbSNP rs1804369315, ClinGen allele CA916079921.

ClinVar aggregate classification (germline): Pathogenic (1 of 4 stars; one submission).

Conditions:
CHARGE syndrome (CHARGE). Also called: CHARGE ASSOCIATION--COLOBOMA, HEART ANOMALY, CHOANAL ATRESIA, RETARDATION, GENITAL AND EAR ANOMALIES; Coloboma, heart anomaly, choanal atresia, retardation, genital and ear anomalies; CHARGE association; Hall-Hittner syndrome; Hittner Hirsch Kreh syndrome. Identifiers: Orphanet 138, MedGen C0265354, MONDO:0008965.

Submission:

Labcorp Genetics (formerly Invitae), Labcorp
Classification: Pathogenic for CHARGE syndrome. Last evaluated: 2019-06-06. Review status: criteria provided, single submitter. Criteria: Invitae Variant Classification Sherloc (09022015). Collection method: clinical testing. Allele origin: germline.
Comment: For these reasons, this variant has been classified as Pathogenic. Loss-of-function variants in CHD7 are known to be pathogenic (PMID: 22461308, 25077900). This variant has been observed to be de novo in individuals affected with CHARGE syndrome (PMID: 22461308, Invitae). This variant is not present in population databases (ExAC no frequency). This sequence change creates a premature translational stop signal (p.Glu1172Argfs*35) in the CHD7 gene. It is expected to result in an absent or disrupted protein product.

Literature cited by the submitters: PubMed 22461308; PubMed 25077900.